The following is an entry in ClinVar:

NM_153240.5(NPHP3):c.3866A>C (p.Glu1289Ala)

Genes: NPHP3 (nephrocystin 3; minus strand), NPHP3-ACAD11 (NPHP3-ACAD11 readthrough (NMD candidate); minus strand). Cytogenetic location: 3q22.1.
Variant type: single nucleotide variant.
Coding change: c.3866A>C on transcript NM_153240.5 (MANE Select); coding-DNA position 3866, A replaced by C.
Protein change: p.Glu1289Ala; replaces glutamic acid 1289 with alanine.
Molecular consequence: missense variant. On other transcripts: non-coding transcript variant (1).
Genome position (GRCh38, 1-based): chr3:132,682,037, T>G on the plus strand (A>C on the coding strand, the complement: NPHP3 is on the minus strand). VCF-style: chr3-132682037-T-G. GRCh37 (hg19) VCF-style: chr3-132400881-T-G.
Other names: short protein forms E1289A.
Identifiers: ClinVar variation 1387373 (VCV001387373.3), dbSNP rs759336230, ClinGen allele CA2621614.

ClinVar aggregate classification (germline): Uncertain significance (1 of 4 stars; one submission).

Conditions:
Nephronophthisis. Also called: Juvenile Nephronophthisis. Identifiers: Orphanet 655, MedGen C0687120, MONDO:0019005, HP:0000090.

Allele frequency attached by ClinVar (database versions not stated): ExAC 0.00001; gnomAD exomes 0.00001.

Submission:

Labcorp Genetics (formerly Invitae), Labcorp
Classification: Uncertain significance for Nephronophthisis. Last evaluated: 2022-02-02. Review status: criteria provided, single submitter. Criteria: Invitae Variant Classification Sherloc (09022015). Collection method: clinical testing. Allele origin: germline.
Comment: This sequence change replaces glutamic acid, which is acidic and polar, with alanine, which is neutral and non-polar, at codon 1289 of the NPHP3 protein (p.Glu1289Ala). This variant is present in population databases (rs759336230, gnomAD 0.003%). This variant has not been reported in the literature in individuals affected with NPHP3-related conditions. Algorithms developed to predict the effect of missense changes on protein structure and function are either unavailable or do not agree on the potential impact of this missense change (SIFT: "Deleterious"; PolyPhen-2: "Benign"; Align-GVGD: "Class C65"). In summary, the available evidence is currently insufficient to determine the role of this variant in disease. Therefore, it has been classified as a Variant of Uncertain Significance.